The following is an entry in ClinVar:

NM_000860.6(HPGD):c.325-2A>C

Gene: HPGD (15-hydroxyprostaglandin dehydrogenase; minus strand). Cytogenetic location: 4q34.1.
Variant type: single nucleotide variant.
Coding change: c.325-2A>C on transcript NM_000860.6 (MANE Select); the canonical splice acceptor site of the intron before coding-DNA position 325, A replaced by C.
Molecular consequence: splice acceptor variant. On other transcripts: intron variant (1).
Genome position (GRCh38, 1-based): chr4:174,508,794, T>G on the plus strand (A>C on the coding strand, the complement: HPGD is on the minus strand). VCF-style: chr4-174508794-T-G. GRCh37 (hg19) VCF-style: chr4-175429945-T-G.
Other names: c.217+13150A>C (NM_001256306.2); c.-39-2A>C (NM_001256307.2, NM_001256301.1); c.325-2A>C (NM_001256305.2, NM_001145816.3, NM_001363574.2).
Identifiers: ClinVar variation 3631858 (VCV003631858.2).

ClinVar aggregate classification (germline): Pathogenic (1 of 4 stars; one submission).

Submission:

Labcorp Genetics (formerly Invitae), Labcorp
Classification: Pathogenic. Last evaluated: 2024-10-13. Review status: criteria provided, single submitter. Criteria: Invitae Variant Classification Sherloc (09022015). Collection method: clinical testing. Allele origin: germline.
Comment: This sequence change affects an acceptor splice site in intron 3 of the HPGD gene. It is expected to disrupt RNA splicing. Variants that disrupt the donor or acceptor splice site typically lead to a loss of protein function (PMID: 16199547), and loss-of-function variants in HPGD are known to be pathogenic (PMID: 18500342, 19568269, 24533558, 24816859). This variant is not present in population databases (gnomAD no frequency). Disruption of this splice site has been observed in individual(s) with primary hypertrophic osteoarthropathy (PMID: 20299379). In at least one individual the data is consistent with being in trans (on the opposite chromosome) from a pathogenic variant. Algorithms developed to predict the effect of sequence changes on RNA splicing suggest that this variant may disrupt the consensus splice site. For these reasons, this variant has been classified as Pathogenic.

Literature cited by the submitters: PubMed 16199547; PubMed 18500342; PubMed 19568269; PubMed 24533558; PubMed 24816859; PubMed 20299379.